The following is an entry in ClinVar:

ClinVar aggregate classification (germline): Pathogenic (1 of 4 stars; one submission).

Submission:

Labcorp Genetics (formerly Invitae), Labcorp
Classification: Pathogenic. Last evaluated: 2022-12-02. Review status: criteria provided, single submitter. Criteria: Invitae Variant Classification Sherloc (09022015). Collection method: clinical testing. Allele origin: germline.
Comment: For these reasons, this variant has been classified as Pathogenic. This variant has not been reported in the literature in individuals affected with EPHB4-related conditions. This variant is not present in population databases (gnomAD no frequency). This sequence change creates a premature translational stop signal (p.Thr403Profs*7) in the EPHB4 gene. It is expected to result in an absent or disrupted protein product. Loss-of-function variants in EPHB4 are known to be pathogenic (PMID: 28687708).

Literature cited by the submitters: PubMed 28687708.

NM_004444.5(EPHB4):c.1207del (p.Thr403fs)

Gene: EPHB4 (EPH receptor B4; minus strand). Cytogenetic location: 7q22.1.
Variant type: Deletion.
Coding change: c.1207del on transcript NM_004444.5 (MANE Select); coding-DNA position 1207, one base deleted (A; older notation c.1207delA).
Protein change: p.Thr403fs; shifts the reading frame from threonine 403.
Molecular consequence: frameshift variant.
Genome position (GRCh38, 1-based): chr7:100,819,647, T deleted on the plus strand (A on the coding strand, the reverse complement: EPHB4 is on the minus strand). VCF-style (leftmost placement, unchanged base first): chr7-100819646-GT-G. GRCh37 (hg19) VCF-style: chr7-100417268-GT-G.
Other names: short protein forms T403fs.
Identifiers: ClinVar variation 2817827 (VCV002817827.3), dbSNP rs2485035644, ClinGen allele CA2739278715.